The following is an entry in ClinVar:

ClinVar aggregate classification (germline): Uncertain significance. Review status: criteria provided, multiple submitters, no conflicts (2 of 4 stars). 4 submissions from 4 submitters: Uncertain significance (4). Last evaluated 2025-11-23.

Conditions:
Inborn genetic diseases. Identifiers: MedGen C0950123, MeSH D030342.

Allele frequency attached by ClinVar (database versions not stated): gnomAD exomes 0.00002; ExAC 0.00003; gnomAD 0.00004 and 0.00005; TOPMed 0.00006.

Submissions (4):

Ambry Genetics
Classification: Uncertain significance for Inborn genetic diseases. Last evaluated: 2025-11-23. Review status: criteria provided, single submitter. Criteria: Ambry Variant Classification Scheme 2023. Collection method: clinical testing. Allele origin: germline.

Labcorp Genetics (formerly Invitae), Labcorp
Classification: Uncertain significance. Last evaluated: 2025-08-06. Review status: criteria provided, single submitter. Criteria: Invitae Variant Classification Sherloc (09022015). Collection method: clinical testing. Allele origin: germline.
Comment: This sequence change replaces aspartic acid, which is acidic and polar, with asparagine, which is neutral and polar, at codon 1375 of the OBSL1 protein (p.Asp1375Asn). This variant is present in population databases (rs770174055, gnomAD 0.01%). This variant has not been reported in the literature in individuals affected with OBSL1-related conditions. ClinVar contains an entry for this variant (Variation ID: 1357999). An algorithm developed to predict the effect of missense changes on protein structure and function (PolyPhen-2) suggests that this variant is likely to be disruptive. In summary, the available evidence is currently insufficient to determine the role of this variant in disease. Therefore, it has been classified as a Variant of Uncertain Significance.

Blueprint Genetics
Classification: Uncertain significance. Last evaluated: 2023-11-09. Review status: criteria provided, single submitter. Criteria: ACMG Guidelines, 2015. Collection method: clinical testing. Allele origin: germline.

Institute for Clinical Genetics, University Hospital TU Dresden, University Hospital TU Dresden
Classification: Uncertain significance. Last evaluated: 2023-01-10. Review status: criteria provided, single submitter. Criteria: ACMG Guidelines, 2015. Collection method: clinical testing. Allele origin: paternal.
Comment: PM2_SUP

NM_015311.3(OBSL1):c.4123G>A (p.Asp1375Asn)

Gene: OBSL1 (obscurin like cytoskeletal adaptor 1; minus strand). Cytogenetic location: 2q35.
Variant type: single nucleotide variant.
Coding change: c.4123G>A on transcript NM_015311.3 (MANE Select); coding-DNA position 4123, G replaced by A.
Protein change: p.Asp1375Asn; replaces aspartic acid 1375 with asparagine.
Molecular consequence: missense variant.
Genome position (GRCh38, 1-based): chr2:219,556,667, C>T on the plus strand (G>A on the coding strand, the complement: OBSL1 is on the minus strand). VCF-style: chr2-219556667-C-T. GRCh37 (hg19) VCF-style: chr2-220421389-C-T.
Other names: c.4123G>A, p.Asp1375Asn (NM_001173431.2); c.4123G>A (NM_015311.2); short protein forms D1375N.
Identifiers: ClinVar variation 1357999 (VCV001357999.8), dbSNP rs770174055, ClinGen allele CA2130656.